The following is an entry in ClinVar:

ClinVar aggregate classification (germline): Uncertain significance (1 of 4 stars; one submission).

Conditions:
Familial hemophagocytic lymphohistiocytosis 2 (FHL2). Also called: PRF1-Related Familial Hemophagocytic Lymphohistiocytosis (PRF1-fHLH). Identifiers: Orphanet 540, MedGen C1863727, MONDO:0011337, OMIM 603553.

Allele frequency attached by ClinVar (database versions not stated): gnomAD exomes below 0.00001 and 0.00001; TOPMed below 0.00001; ExAC 0.00001; gnomAD 0.00001.

Submission:

Labcorp Genetics (formerly Invitae), Labcorp
Classification: Uncertain significance for Familial hemophagocytic lymphohistiocytosis 2. Last evaluated: 2018-05-26. Review status: criteria provided, single submitter. Criteria: Invitae Variant Classification Sherloc (09022015). Collection method: clinical testing. Allele origin: germline.
Comment: In summary, the available evidence is currently insufficient to determine the role of this variant in disease. Therefore, it has been classified as a Variant of Uncertain Significance. Experimental studies have shown that perforin proteins with this missense change have decreased expression and impaired maturation, but normal lytic and cytotoxic activity (PMID: 18927437). The clinical significance of these findings are uncertain. This variant has been observed in various compound heterozygous states in healthy members of a family in which a child with unknown genotype died of hemophagocytic lymphohistiocytosis as an infant (PMID: 18927437). This variant is present in population databases (rs752523287, ExAC 0.002%). This sequence change replaces tyrosine with cysteine at codon 438 of the PRF1 protein (p.Tyr438Cys). The tyrosine residue is moderately conserved and there is a large physicochemical difference between tyrosine and cysteine.

Literature cited by the submitters: PubMed 18927437.

NM_001083116.3(PRF1):c.1313A>G (p.Tyr438Cys)

Gene: PRF1 (perforin 1; minus strand). Cytogenetic location: 10q22.1.
Variant type: single nucleotide variant.
Coding change: c.1313A>G on transcript NM_001083116.3 (MANE Select); coding-DNA position 1313, A replaced by G.
Protein change: p.Tyr438Cys; replaces tyrosine 438 with cysteine.
Molecular consequence: missense variant.
Genome position (GRCh38, 1-based): chr10:70,598,408, T>C on the plus strand (A>G on the coding strand, the complement: PRF1 is on the minus strand). VCF-style: chr10-70598408-T-C. GRCh37 (hg19) VCF-style: chr10-72358164-T-C.
Other names: c.1313A>G, p.Tyr438Cys (NM_005041.6); short protein forms Y438C.
Identifiers: ClinVar variation 581242 (VCV000581242.7), dbSNP rs752523287, ClinGen allele CA5538771.